The following is an entry in ClinVar:

NM_004329.3(BMPR1A):c.8A>G (p.Gln3Arg)

Gene: BMPR1A (bone morphogenetic protein receptor type 1A; plus strand). Cytogenetic location: 10q23.2.
Variant type: single nucleotide variant.
Coding change: c.8A>G on transcript NM_004329.3 (MANE Select); coding-DNA position 8, A replaced by G.
Protein change: p.Gln3Arg; replaces glutamine 3 with arginine.
Molecular consequence: missense variant. On other transcripts: 5 prime UTR variant (1), non-coding transcript variant (3), intron variant (4).
Genome position (GRCh38, 1-based): chr10:86,876,026, A>G. VCF-style: chr10-86876026-A-G. GRCh37 (hg19) VCF-style: chr10-88635783-A-G.
Other names: c.8A>G, p.Gln3Arg (NM_001406574.1, NM_001406575.1, NM_001406576.1 and 23 more transcripts); c.-72A>G (NM_001406588.1); c.-17-14036A>G (NM_001406584.1, NM_001406587.1, NM_001406585.1); c.-12-14041A>G (NM_001406586.1); short protein forms Q3R.
Identifiers: ClinVar variation 3636950 (VCV003636950.3).

ClinVar aggregate classification (germline): Uncertain significance. Review status: criteria provided, multiple submitters, no conflicts (2 of 4 stars). 2 submissions from 2 submitters: Uncertain significance (2). Last evaluated 2026-04-29.

Conditions:
Hereditary cancer-predisposing syndrome. Also called: Hereditary neoplastic syndrome; Tumor predisposition; Hereditary Cancer Syndrome; Neoplastic Syndromes, Hereditary. Identifiers: Orphanet 140162, MedGen C0027672, MeSH D009386, MONDO:0015356.
Juvenile polyposis syndrome (JPS). Identifiers: Orphanet 2929, MedGen C0345893, MONDO:0017380, OMIM 174900.

Submissions (2):

Ambry Genetics
Classification: Uncertain significance for Hereditary cancer-predisposing syndrome. Last evaluated: 2026-04-29. Review status: criteria provided, single submitter. Criteria: Ambry Variant Classification Scheme 2023. Collection method: clinical testing. Allele origin: germline.
Comment: The p.Q3R variant (also known as c.8A>G), located in coding exon 1 of the BMPR1A gene, results from an A to G substitution at nucleotide position 8. The glutamine at codon 3 is replaced by arginine, an amino acid with highly similar properties. This amino acid position is not well conserved in available vertebrate species, and arginine is the reference amino acid in other vertebrate species. In addition, this alteration is predicted to be tolerated by in silico analysis. Based on the available evidence, the clinical significance of this variant remains unclear.

Labcorp Genetics (formerly Invitae), Labcorp
Classification: Uncertain significance for Juvenile polyposis syndrome. Last evaluated: 2025-01-08. Review status: criteria provided, single submitter. Criteria: Invitae Variant Classification Sherloc (09022015). Collection method: clinical testing. Allele origin: germline.
Comment: This sequence change replaces glutamine, which is neutral and polar, with arginine, which is basic and polar, at codon 3 of the BMPR1A protein (p.Gln3Arg). This variant is not present in population databases (gnomAD no frequency). This variant has not been reported in the literature in individuals affected with BMPR1A-related conditions. Invitae Evidence Modeling of protein sequence and biophysical properties (such as structural, functional, and spatial information, amino acid conservation, physicochemical variation, residue mobility, and thermodynamic stability) indicates that this missense variant is not expected to disrupt BMPR1A protein function with a negative predictive value of 95%. In summary, the available evidence is currently insufficient to determine the role of this variant in disease. Therefore, it has been classified as a Variant of Uncertain Significance.